The following is an entry in ClinVar:

NM_006946.4(SPTBN2):c.5110G>C (p.Asp1704His)

Gene: SPTBN2 (spectrin beta, non-erythrocytic 2; minus strand). Cytogenetic location: 11q13.2.
Variant type: single nucleotide variant.
Coding change: c.5110G>C on transcript NM_006946.4 (MANE Select); coding-DNA position 5110, G replaced by C.
Protein change: p.Asp1704His; replaces aspartic acid 1704 with histidine.
Molecular consequence: missense variant.
Genome position (GRCh38, 1-based): chr11:66,692,616, C>G on the plus strand (G>C on the coding strand, the complement: SPTBN2 is on the minus strand). VCF-style: chr11-66692616-C-G. GRCh37 (hg19) VCF-style: chr11-66460087-C-G.
Other names: c.5131G>C, p.Asp1711His (NM_001411025.1); short protein forms D1704H, D1711H.
Identifiers: ClinVar variation 2958003 (VCV002958003.3), dbSNP rs1334709657, ClinGen allele CA381467831.

ClinVar aggregate classification (germline): Uncertain significance (1 of 4 stars; one submission).

Allele frequency attached by ClinVar (database versions not stated): TOPMed below 0.00001; gnomAD 0.00001; gnomAD exomes 0.00001.
gnomAD v4.1: 15 of 1,606,656 alleles (0.00093%); highest among the groups gnomAD compares: Admixed American, 0.0017%; no homozygotes.

Submission:

Labcorp Genetics (formerly Invitae), Labcorp
Classification: Uncertain significance. Last evaluated: 2023-11-15. Review status: criteria provided, single submitter. Criteria: Invitae Variant Classification Sherloc (09022015). Collection method: clinical testing. Allele origin: germline.
Comment: This sequence change replaces aspartic acid, which is acidic and polar, with histidine, which is basic and polar, at codon 1704 of the SPTBN2 protein (p.Asp1704His). This variant is present in population databases (no rsID available, gnomAD 0.002%). This variant has not been reported in the literature in individuals affected with SPTBN2-related conditions. Advanced modeling of protein sequence and biophysical properties (such as structural, functional, and spatial information, amino acid conservation, physicochemical variation, residue mobility, and thermodynamic stability) performed at Invitae indicates that this missense variant is expected to disrupt SPTBN2 protein function with a positive predictive value of 80%. In summary, the available evidence is currently insufficient to determine the role of this variant in disease. Therefore, it has been classified as a Variant of Uncertain Significance.